The following is an entry in ClinVar:

ClinVar aggregate classification (germline): Uncertain significance. Review status: criteria provided, multiple submitters, no conflicts (2 of 4 stars). 2 submissions from 2 submitters: Uncertain significance (2). Last evaluated 2026-01-18.

Allele frequency attached by ClinVar (database versions not stated): gnomAD 0.00005; TOPMed 0.00010.
gnomAD v4.1: 77 of 1,583,692 alleles (0.0049%); highest among the groups gnomAD compares: Admixed American, 0.0083%; no homozygotes.

Submissions (2):

Labcorp Genetics (formerly Invitae), Labcorp
Classification: Uncertain significance. Last evaluated: 2026-01-18. Review status: criteria provided, single submitter. Criteria: Invitae Variant Classification Sherloc (09022015). Collection method: clinical testing. Allele origin: germline.
Comment: This sequence change replaces glycine, which is neutral and non-polar, with serine, which is neutral and polar, at codon 875 of the ARHGEF1 protein (p.Gly875Ser). This variant is present in population databases (no rsID available, gnomAD 0.0008%). This variant has not been reported in the literature in individuals affected with ARHGEF1-related conditions. ClinVar contains an entry for this variant (Variation ID: 2414313). An algorithm developed to predict the effect of missense changes on protein structure and function outputs the following: PolyPhen-2: "Benign". The serine amino acid residue is found in multiple mammalian species, which suggests that this missense change does not adversely affect protein function. In summary, the available evidence is currently insufficient to determine the role of this variant in disease. Therefore, it has been classified as a Variant of Uncertain Significance.

Ambry Genetics
Classification: Uncertain significance. Last evaluated: 2025-08-01. Review status: criteria provided, single submitter. Criteria: Ambry Variant Classification Scheme 2023. Collection method: clinical testing. Allele origin: germline.

NM_004706.4(ARHGEF1):c.2578G>A (p.Gly860Ser)

Gene: ARHGEF1 (Rho guanine nucleotide exchange factor 1; plus strand). Cytogenetic location: 19q13.2.
Variant type: single nucleotide variant.
Coding change: c.2578G>A on transcript NM_004706.4 (MANE Select); coding-DNA position 2578, G replaced by A.
Protein change: p.Gly860Ser; replaces glycine 860 with serine.
Molecular consequence: missense variant. On other transcripts: non-coding transcript variant (2), intron variant (4).
Genome position (GRCh38, 1-based): chr19:41,906,543, G>A. VCF-style: chr19-41906543-G-A. GRCh37 (hg19) VCF-style: chr19-42410695-G-A.
Other names: c.2746G>A, p.Gly916Ser (NM_001396000.1); c.2479G>A, p.Gly827Ser (NM_198977.2); c.2623G>A, p.Gly875Ser (NM_199002.2); c.2492-160G>A (NM_001396003.1, NM_001396006.1); c.2393-160G>A (NM_001396002.1, NM_001396004.1); c.2623G>A (NM_199002.1); short protein forms G827S, G860S, G875S, G916S.
Identifiers: ClinVar variation 2414313 (VCV002414313.10), dbSNP rs1249718614, ClinGen allele CA406069789.